The following is an entry in ClinVar:

NM_003079.5(SMARCE1):c.406T>C (p.Ser136Pro)

Gene: SMARCE1 (SWI/SNF related BAF chromatin remodeling complex subunit E1; minus strand). Cytogenetic location: 17q21.2.
Variant type: single nucleotide variant.
Coding change: c.406T>C on transcript NM_003079.5 (MANE Select); coding-DNA position 406, T replaced by C.
Protein change: p.Ser136Pro; replaces serine 136 with proline.
Molecular consequence: missense variant.
Genome position (GRCh38, 1-based): chr17:40,636,066, A>G on the plus strand (T>C on the coding strand, the complement: SMARCE1 is on the minus strand). VCF-style: chr17-40636066-A-G. GRCh37 (hg19) VCF-style: chr17-38792318-A-G.
Other names: short protein forms S136P.
Identifiers: ClinVar variation 3320848 (VCV003320848.1).
Genomic context (GRCh38, chr17:40,636,066, plus strand): 5'-CTTCCTCTAAAGCAGCTTCTGCACGACTTTTTGCATTTATGTAAGCAAGGTACGCGGGGG[A>G]ATTATGATAGGCCTTCATAGATTCATTGTACTCTATCTGAAATTCAAATGTTTTTTGGTT-3'
Protein context (NP_003070.3, residues 126-146): YNESMKAYHN[Ser136Pro]PAYLAYINAK

ClinVar aggregate classification (germline): Uncertain significance (1 of 4 stars; one submission).

Conditions:
Hereditary cancer-predisposing syndrome. Also called: Neoplastic Syndromes, Hereditary; Tumor predisposition; Hereditary neoplastic syndrome; Hereditary Cancer Syndrome. Identifiers: Orphanet 140162, MedGen C0027672, MeSH D009386, MONDO:0015356.

Submission:

Ambry Genetics
Classification: Uncertain significance for Hereditary cancer-predisposing syndrome. Last evaluated: 2024-04-25. Review status: criteria provided, single submitter. Criteria: Ambry Variant Classification Scheme 2023. Collection method: clinical testing. Allele origin: germline.
Comment: The p.S136P variant (also known as c.406T>C), located in coding exon 6 of the SMARCE1 gene, results from a T to C substitution at nucleotide position 406. The serine at codon 136 is replaced by proline, an amino acid with similar properties. This amino acid position is highly conserved in available vertebrate species. In addition, this alteration is predicted to be deleterious by in silico analysis. Based on the available evidence, the clinical significance of this variant remains unclear.